The following is an entry in ClinVar:

ClinVar aggregate classification (germline): Uncertain significance (1 of 4 stars; one submission).

Conditions:
Cardiovascular phenotype. Identifiers: MedGen CN230736.

Submissions (2):

Ambry Genetics
Classification: Uncertain significance for Cardiovascular phenotype. Last evaluated: 2025-08-03. Review status: criteria provided, single submitter. Criteria: Ambry Variant Classification Scheme 2023. Collection method: clinical testing. Allele origin: germline.
Comment: The p.M190V variant (also known as c.568A>G), located in coding exon 4 of the BGN gene, results from an A to G substitution at nucleotide position 568. The methionine at codon 190 is replaced by valine, an amino acid with highly similar properties. This amino acid position is conserved. In addition, the in silico prediction for this alteration is inconclusive. Based on the available evidence, the clinical significance of this variant remains unclear.

Dr. Peter K. Rogan Lab, Western University
No classification provided (evidence only). Condition: Nonpapillary renal cell carcinoma. Review status: no classification provided. Collection method: in vitro. Allele origin: not applicable. Functional consequence: retained intron. Not counted in ClinVar's aggregate classification.

NM_001711.6(BGN):c.568A>G (p.Met190Val)

Gene: BGN (biglycan; plus strand). Cytogenetic location: Xq28.
Variant type: single nucleotide variant.
Coding change: c.568A>G on transcript NM_001711.6 (MANE Select); coding-DNA position 568, A replaced by G.
Protein change: p.Met190Val; replaces methionine 190 with valine.
Molecular consequence: missense variant.
Genome position (GRCh38, 1-based): chrX:153,506,531, A>G. VCF-style: chrX-153506531-A-G. GRCh37 (hg19) VCF-style: chrX-152771989-A-G.
Other names: NC_000023.10:g.152771989A>G; short protein forms M190V.
Identifiers: ClinVar variation 4206848 (VCV004206848.2).